The following is an entry in ClinVar:

NM_001375524.1(TRRAP):c.6040G>A (p.Val2014Met)

Gene: TRRAP (transformation/transcription domain associated protein; plus strand). Cytogenetic location: 7q22.1.
Variant type: single nucleotide variant.
Coding change: c.6040G>A on transcript NM_001375524.1 (MANE Select); coding-DNA position 6040, G replaced by A.
Protein change: p.Val2014Met; replaces valine 2014 with methionine.
Molecular consequence: missense variant.
Genome position (GRCh38, 1-based): chr7:98,956,248, G>A. VCF-style: chr7-98956248-G-A. GRCh37 (hg19) VCF-style: chr7-98553871-G-A.
Other names: c.6019G>A, p.Val2007Met (NM_001244580.2); c.5965G>A, p.Val1989Met (NM_003496.4); short protein forms V1989M, V2007M, V2014M.
Identifiers: ClinVar variation 2832659 (VCV002832659.3), dbSNP rs201623462, ClinGen allele CA4360728.
Genomic context (GRCh38, chr7:98,956,248, plus strand): 5'-AGCGCCATGCAGAGGCTGGGCTTCACGCCCAGTGTCACCATCGAGCAGAGGCGGCTGGCC[G>A]TGGACCTGTCTGAAGTCGTCATCAAGTGGGAGCTGCAGAGGATCAAGGACCAGCAGGTAG-3'
Protein context (NP_001362453.1, residues 2004-2024): SVTIEQRRLA[Val2014Met]DLSEVVIKWE

ClinVar aggregate classification (germline): Uncertain significance (1 of 4 stars; one submission).

Allele frequency attached by ClinVar (database versions not stated): ExAC 0.00001; gnomAD 0.00001; 1000 Genomes Project 30x 0.00016; 1000 Genomes Project 0.00020.
gnomAD v4.1: 9 of 1,614,186 alleles (0.00056%); highest among the groups gnomAD compares: Non-Finnish European, 0.00076%; no homozygotes.

Submission:

Labcorp Genetics (formerly Invitae), Labcorp
Classification: Uncertain significance. Last evaluated: 2023-01-28. Review status: criteria provided, single submitter. Criteria: Invitae Variant Classification Sherloc (09022015). Collection method: clinical testing. Allele origin: germline.
Comment: This variant is present in population databases (rs201623462, gnomAD 0.006%). This sequence change replaces valine, which is neutral and non-polar, with methionine, which is neutral and non-polar, at codon 1989 of the TRRAP protein (p.Val1989Met). This variant has not been reported in the literature in individuals affected with TRRAP-related conditions. In summary, the available evidence is currently insufficient to determine the role of this variant in disease. Therefore, it has been classified as a Variant of Uncertain Significance. Advanced modeling of protein sequence and biophysical properties (such as structural, functional, and spatial information, amino acid conservation, physicochemical variation, residue mobility, and thermodynamic stability) performed at Invitae indicates that this missense variant is expected to disrupt TRRAP protein function.